The following is an entry in ClinVar:

NM_000492.4(CFTR):c.1680A>T (p.Arg560Ser)

Gene: CFTR (CF transmembrane conductance regulator; plus strand). Cytogenetic location: 7q31.2.
Variant type: single nucleotide variant.
Coding change: c.1680A>T on transcript NM_000492.4 (MANE Select); coding-DNA position 1680, A replaced by T.
Protein change: p.Arg560Ser; replaces arginine 560 with serine.
Molecular consequence: missense variant.
Genome position (GRCh38, 1-based): chr7:117,590,353, A>T. VCF-style: chr7-117590353-A-T. GRCh37 (hg19) VCF-style: chr7-117230407-A-T.
Other names: short protein forms R560S.
Identifiers: ClinVar variation 1777899 (VCV001777899.3), dbSNP rs397508267, ClinGen allele CA368976988.

ClinVar aggregate classification (germline): Pathogenic. Review status: criteria provided, multiple submitters, no conflicts (2 of 4 stars). 2 submissions from 2 submitters: Pathogenic (2). Last evaluated 2024-01-25.

Conditions:
Cystic fibrosis (CF). Also called: MUCOVISCIDOSIS. Identifiers: Orphanet 586, MedGen C0010674, MONDO:0009061, OMIM 219700. Disease mechanism: loss of function.

Submissions (2):

Women's Health and Genetics/Laboratory Corporation of America, LabCorp
Classification: Pathogenic for Cystic fibrosis. Last evaluated: 2024-01-25. Review status: criteria provided, single submitter. Criteria: LabCorp Variant Classification Summary - May 2015. Collection method: clinical testing. Allele origin: germline.
Comment: Variant summary: CFTR c.1680A>T (p.Arg560Ser) results in a non-conservative amino acid change to a highly conserved residue (HGMD) located in the ABC transporter-like, ATP-binding domain (IPR003439) of the encoded protein sequence. This results in the same amino acid change as a previously established pathogenic variant (c.1680A>C/p.Arg560Ser). Five of five in-silico tools predict a damaging effect of the variant on protein function. The variant was absent in 250272 control chromosomes (gnomAD). The variant has been reported in the literature in multiple individuals affected with Cystic Fibrosis (e.g. Liechti-Gallati_1999, Claustres_2000, McCague_2019). These data indicate that the variant is very likely to be associated with disease. At least one publication reports experimental evidence evaluating an impact on protein function, finding that the variant results in the loss of mature CFTR and no chloride transport (Van Goor_2014). The following publications have been ascertained in the context of this evaluation (PMID: 30888834, 23891399, 10923036, 10439967). ClinVar contains an entry for this variant (Variation ID: 1777899). Based on the evidence outlined above, the variant was classified as pathogenic.

Ambry Genetics
Classification: Pathogenic for Cystic fibrosis. Last evaluated: 2022-08-03. Review status: criteria provided, single submitter. Criteria: Ambry Variant Classification Scheme 2023. Collection method: clinical testing. Allele origin: germline.
Comment: The p.R560S pathogenic mutation (also known as c.1680A>T), located in coding exon 13 of the CFTR gene, results from a adenine to thymine substitution at nucleotide position 1680. This variant impacts the first base pair of coding exon 13. The arginine at codon 560 is replaced by serine, an amino acid with dissimilar properties. This alteration has been detected in the homozygous state, and in a compound heterozygous state with the CFTR F508del mutation, in multiple individuals diagnosed with cystic fibrosis (Malone G et al. Hum Mutat, 1998;11:152-7; Kraemer R et al. Pediatr Res, 1998 Dec;44:920-6; Claustres M et al. Hum Mutat, 2000;16:143-56). This variant has 0% of wild type quantity and function in The Clinical and Functional TRanslation of CFTR (CFTR2) database (available at CFTR2. Accessed 08/02/2022) and in one published functional study (Van Goor F et al. J Cyst Fibros, 2014 Jan;13:29-36). This variant is considered to be rare based on population cohorts in the Genome Aggregation Database (gnomAD). This amino acid position is highly conserved in available vertebrate species. In addition, this alteration is predicted to be deleterious by in silico analysis. Based on the supporting evidence, this alteration is interpreted as a disease-causing mutation.

Literature cited by the submitters: PubMed 10923036 (cited by Women's Health and Genetics/Laboratory Corporation of America, LabCorp and Ambry Genetics); PubMed 10439967 (cited by Women's Health and Genetics/Laboratory Corporation of America, LabCorp); PubMed 23891399 (cited by Women's Health and Genetics/Laboratory Corporation of America, LabCorp and Ambry Genetics); PubMed 30888834 (cited by Women's Health and Genetics/Laboratory Corporation of America, LabCorp); PubMed 9482579 (cited by Ambry Genetics); PubMed 9853928 (cited by Ambry Genetics).